The following is an entry in ClinVar:

ClinVar aggregate classification (germline): Uncertain significance (1 of 4 stars; one submission).

Conditions:
Mitochondrial complex II deficiency, nuclear type 1. Also called: SUCCINATE CoQ REDUCTASE DEFICIENCY. Identifiers: Orphanet 3208, MedGen C5700310, MONDO:0100294, OMIM 252011.
Pheochromocytoma/paraganglioma syndrome 5. Also called: Paragangliomas 5; SDHA-Related Hereditary Paraganglioma-Pheochromocytoma Syndrome. Identifiers: Orphanet 29072, MedGen C3279992, MONDO:0013602, OMIM 614165.

Submission:

Labcorp Genetics (formerly Invitae), Labcorp
Classification: Uncertain significance for Pheochromocytoma/paraganglioma syndrome 5; Mitochondrial complex II deficiency, nuclear type 1. Last evaluated: 2022-12-19. Review status: criteria provided, single submitter. Criteria: Invitae Variant Classification Sherloc (09022015). Collection method: clinical testing. Allele origin: germline.
Comment: This sequence change replaces valine, which is neutral and non-polar, with aspartic acid, which is acidic and polar, at codon 4 of the SDHA protein (p.Val4Asp). This variant is not present in population databases (gnomAD no frequency). This variant has not been reported in the literature in individuals affected with SDHA-related conditions. Advanced modeling of protein sequence and biophysical properties (such as structural, functional, and spatial information, amino acid conservation, physicochemical variation, residue mobility, and thermodynamic stability) performed at Invitae indicates that this missense variant is not expected to disrupt SDHA protein function. In summary, the available evidence is currently insufficient to determine the role of this variant in disease. Therefore, it has been classified as a Variant of Uncertain Significance.

NM_004168.4(SDHA):c.11T>A (p.Val4Asp)

Gene: SDHA (succinate dehydrogenase complex flavoprotein subunit A; plus strand). Cytogenetic location: 5p15.33.
Variant type: single nucleotide variant.
Coding change: c.11T>A on transcript NM_004168.4 (MANE Select); coding-DNA position 11, T replaced by A.
Protein change: p.Val4Asp; replaces valine 4 with aspartic acid.
Molecular consequence: missense variant.
Genome position (GRCh38, 1-based): chr5:218,366, T>A. VCF-style: chr5-218366-T-A. GRCh37 (hg19) VCF-style: chr5-218481-T-A.
Other names: c.11T>A, p.Val4Asp (NM_001294332.2, NM_001330758.2); short protein forms V4D.
Identifiers: ClinVar variation 2942477 (VCV002942477.3), dbSNP rs1579369675, ClinGen allele CA359007262.